The following is an entry in ClinVar:

NC_000013.11:g.22782997_22941414dup

Genes: LINC00621 (long intergenic non-protein coding RNA 621; minus strand), LOC105370109 (uncharacterized LOC105370109; plus strand), LOC130009361 (ATAC-STARR-seq lymphoblastoid active region 7448; plus strand). Cytogenetic location: 13q12.12.
Variant type: Duplication.
Identifiers: ClinVar variation 157268 (VCV000157268.2).

ClinVar aggregate classification (germline): not provided (0 of 4 stars; one submission).

Conditions:
Large for gestational age. Identifiers: MedGen C1848395, HP:0001520.

Submission:

Institute of Molecular and Cell Biology, University of Tartu
No classification provided. Condition: Large for gestational age. Review status: no classification provided. Collection method: case-control. Allele origin: unknown. Affected: yes. Study: Kasak2014.
Comment: The study aimed to determine the contribution of copy number variants in the genetic etiology of normal and complicated pregnancies. The samples represented (i) maternal blood DNA drawn from healthy pregnant women during 1st or 2nd trimester and (ii) maternal and paternal blood DNA drawn at term pregnancy cases representing normal and complicated gestations (severe preeclampsia, PE; gestational diabetes, GD; small-for-gestational age newborn, SGA; large-for-gestational age newborn, LGA). We performed CNV calling based on genome-wide genotyping dataset (Illumina HumanOmniExpress-24-v1 BeadChip) by applying three algorithms, QuantiSNP, GADA (Genome Alteration Detection Algorithm) and CNstream in parallel. The acquired CNV calls were merged with HD-CNV (Hotspot Detector for Copy Number Variants) program and only the CNVs predicted by at least two programs, were considered in subsequent analysis.

Literature cited by the submitters: PubMed 25666259.